The following is an entry in ClinVar:

ClinVar aggregate classification (germline): Uncertain significance (1 of 4 stars; one submission).

Allele frequency attached by ClinVar (database versions not stated): ExAC 0.00001; gnomAD exomes below 0.00001.
gnomAD v4.1: 2 of 1,614,156 alleles (0.00012%); highest among the groups gnomAD compares: Non-Finnish European, 0.000085%; no homozygotes.

Submission:

GeneDx
Classification: Uncertain significance. Last evaluated: 2021-04-20. Review status: criteria provided, single submitter. Criteria: GeneDx Variant Classification Process June 2021. Collection method: clinical testing. Allele origin: germline. Affected: yes.
Comment: Not observed at a significant frequency in large population cohorts (Lek et al., 2016); In silico analysis supports that this missense variant has a deleterious effect on protein structure/function; Has not been previously published as pathogenic or benign to our knowledge

NM_000404.4(GLB1):c.271C>A (p.Pro91Thr)

Gene: GLB1 (galactosidase beta 1; minus strand). Cytogenetic location: 3p22.3.
Variant type: single nucleotide variant.
Coding change: c.271C>A on transcript NM_000404.4 (MANE Select); coding-DNA position 271, C replaced by A.
Protein change: p.Pro91Thr; replaces proline 91 with threonine.
Molecular consequence: missense variant. On other transcripts: intron variant (1).
Genome position (GRCh38, 1-based): chr3:33,068,945, G>T on the plus strand (C>A on the coding strand, the complement: GLB1 is on the minus strand). VCF-style: chr3-33068945-G-T. GRCh37 (hg19) VCF-style: chr3-33110437-G-T.
Other names: c.181C>A, p.Pro61Thr (NM_001079811.3); c.415C>A, p.Pro139Thr (NM_001317040.2); c.271C>A, p.Pro91Thr (NM_001393580.1); c.246-3388C>A (NM_001135602.3); short protein forms P139T, P61T, P91T.
Identifiers: ClinVar variation 1314581 (VCV001314581.2), dbSNP rs770407340, ClinGen allele CA2299744.
Genomic context (GRCh38, chr3:33,068,945, plus strand): 5'-CCAGCCGAAGAAAATATTCCACATCATGGTCCTCAGAAAACTGGTACTGTCCTGGCCAGG[G>T]CTCATGAAAGTTCCAGGGCACATACCTGCCAAGACACACACAGCCCCTTCCTGGATACTT-3'
Protein context (NP_000395.3, residues 81-101): QTYVPWNFHE[Pro91Thr]WPGQYQFSED